The following is an entry in ClinVar:

NM_014000.3(VCL):c.1319C>T (p.Ala440Val)

Gene: VCL (vinculin; plus strand). Cytogenetic location: 10q22.2.
Variant type: single nucleotide variant.
Coding change: c.1319C>T on transcript NM_014000.3 (MANE Select); coding-DNA position 1319, C replaced by T.
Protein change: p.Ala440Val; replaces alanine 440 with valine.
Molecular consequence: missense variant.
Genome position (GRCh38, 1-based): chr10:74,090,165, C>T. VCF-style: chr10-74090165-C-T. GRCh37 (hg19) VCF-style: chr10-75849923-C-T.
Other names: c.1319C>T, p.Ala440Val (NM_003373.4); short protein forms A440V.
Identifiers: ClinVar variation 468806 (VCV000468806.7), dbSNP rs1554817862, ClinGen allele CA377273364.

ClinVar aggregate classification (germline): Uncertain significance (1 of 4 stars; one submission).

Conditions:
Dilated cardiomyopathy 1W (CMD1W). Identifiers: Orphanet 154, MedGen C1969639, MONDO:0012667, OMIM 611407.

Submission:

Labcorp Genetics (formerly Invitae), Labcorp
Classification: Uncertain significance for Dilated cardiomyopathy 1W. Last evaluated: 2017-03-19. Review status: criteria provided, single submitter. Criteria: Invitae Variant Classification Sherloc (09022015). Collection method: clinical testing. Allele origin: germline.
Comment: This sequence change replaces alanine with valine at codon 440 of the VCL protein (p.Ala440Val). The alanine residue is highly conserved and there is a small physicochemical difference between alanine and valine. This variant is not present in population databases (ExAC no frequency) and has not been reported in the literature in individuals with a VCL-related disease. Algorithms developed to predict the effect of missense changes on protein structure and function do not agree on the potential impact of this missense change (SIFT: "Deleterious"; PolyPhen-2: "Benign"; Align-GVGD: "Class C0"). In summary, this variant is a novel missense change with uncertain impact on protein function. It has been classified as a Variant of Uncertain Significance.